The following is an entry in ClinVar:

ClinVar aggregate classification (germline): Likely benign. Review status: criteria provided, multiple submitters, no conflicts (2 of 4 stars). 2 submissions from 2 submitters: Likely benign (2). Last evaluated 2025-05-19.

Conditions:
Primary dilated cardiomyopathy (DCM). Also called: Dilated Cardiomyopathy. Identifiers: Orphanet 217604, MedGen C0007193, MeSH D002311, MONDO:0005021, HP:0001644. Inheritance: Various modes of inheritance.

Allele frequency attached by ClinVar (database versions not stated): gnomAD exomes below 0.00001; gnomAD 0.00001.
gnomAD v4.1: 3 of 1,606,788 alleles (0.00019%); highest among the groups gnomAD compares: Non-Finnish European, 0.00026%; no homozygotes.

Submissions (2):

Labcorp Genetics (formerly Invitae), Labcorp
Classification: Likely benign for Primary dilated cardiomyopathy. Last evaluated: 2025-05-19. Review status: criteria provided, single submitter. Criteria: Invitae Variant Classification Sherloc (09022015). Collection method: clinical testing. Allele origin: germline.

GeneDx
Classification: Likely benign. Last evaluated: 2016-05-04. Review status: criteria provided, single submitter. Criteria: GeneDx Variant Classification (06012015). Collection method: clinical testing. Allele origin: germline. Affected: yes.
Comment: This variant is considered likely benign or benign based on one or more of the following criteria: it is a conservative change, it occurs at a poorly conserved position in the protein, it is predicted to be benign by multiple in silico algorithms, and/or has population frequency not consistent with disease.

NM_006393.3(NEBL):c.48A>G (p.Glu16=)

Gene: NEBL (nebulette; minus strand). Cytogenetic location: 10p12.31.
Variant type: single nucleotide variant.
Coding change: c.48A>G on transcript NM_006393.3 (MANE Select); coding-DNA position 48, A replaced by G.
Protein change: p.Glu16=; no amino-acid change (glutamic acid 16 retained).
Molecular consequence: synonymous variant. On other transcripts: intron variant (9).
Genome position (GRCh38, 1-based): chr10:20,897,158, T>C on the plus strand (A>G on the coding strand, the complement: NEBL is on the minus strand). VCF-style: chr10-20897158-T-C. GRCh37 (hg19) VCF-style: chr10-21186087-T-C.
Other names: c.249+64514A>G (NM_001377326.1, NM_001377327.1, NM_001377328.1); c.357+64514A>G (NM_213569.2, NM_001173484.2, NM_001377322.1); c.300+64514A>G (NM_001377324.1); c.291+64514A>G (NM_001377325.1); c.309+64514A>G (NM_001377323.1).
Identifiers: ClinVar variation 386057 (VCV000386057.2), dbSNP rs967421212, ClinGen allele CA16606007.